The following is an entry in ClinVar:

ClinVar aggregate classification (germline): Pathogenic/Likely pathogenic. Review status: criteria provided, multiple submitters, no conflicts (2 of 4 stars). 5 submissions from 5 submitters: Pathogenic (1); Likely pathogenic (4). Last evaluated 2025-12-21.

Conditions:
Usher syndrome type 1D (USH1D). Also called: USHER SYNDROME, TYPE ID. Identifiers: Orphanet 231169, Orphanet 886, MedGen C1832845, MONDO:0010984, OMIM 601067.
Usher syndrome type 1F (USH1F). Also called: USHER SYNDROME, TYPE IF. Identifiers: Orphanet 231169, Orphanet 886, MedGen C1865885, MONDO:0011186, OMIM 602083.
Autosomal recessive nonsyndromic hearing loss 23. Identifiers: Orphanet 90636, MedGen C1836027, MONDO:0012293, OMIM 609533.

Allele frequency attached by ClinVar (database versions not stated): ExAC 0.00001; gnomAD exomes below 0.00001.
gnomAD v4.1: 1 of 1,613,624 alleles (0.000062%); highest among the groups gnomAD compares: East Asian, 0.0022%; no homozygotes.

Submissions (5):

Labcorp Genetics (formerly Invitae), Labcorp
Classification: Pathogenic. Last evaluated: 2025-12-21. Review status: criteria provided, single submitter. Criteria: Invitae Variant Classification Sherloc (09022015). Collection method: clinical testing. Allele origin: germline.
Comment: This sequence change affects a donor splice site in intron 14 of the PCDH15 gene. It is expected to disrupt RNA splicing. Variants that disrupt the donor or acceptor splice site typically lead to a loss of protein function (PMID: 16199547), and loss-of-function variants in PCDH15 are known to be pathogenic (PMID: 11398101, 11487575, 14570705). This variant is present in population databases (rs761865629, gnomAD 0.006%). Disruption of this splice site has been observed in individual(s) with PCDH15-related conditions (PMID: 33946315; internal data). ClinVar contains an entry for this variant (Variation ID: 2412661). Algorithms developed to predict the effect of sequence changes on RNA splicing suggest that this variant may disrupt the consensus splice site. For these reasons, this variant has been classified as Pathogenic.

Myriad Genetics, Inc.
Classification: Likely pathogenic for Usher syndrome type 1F. Last evaluated: 2025-06-10. Review status: criteria provided, single submitter. Criteria: Myriad Autosomal Dominant, Autosomal Recessive and X-Linked Classification Criteria (2023). Collection method: clinical testing. Allele origin: unknown.
Comment: NM_033056.3(PCDH15):c.1784+1G>T is a variant in a canonical splice site classified as likely pathogenic in the context of PCDH15-related disorders. c.1784+1G>T has been observed in a case with relevant disease (PMID: 34721897). Relevant functional assessments of this variant are not available in the literature. c.1784+1G>T has been observed in referenced population frequency databases. In summary, NM_033056.3(PCDH15):c.1784+1G>T is a variant in a canonical splice site in a gene where loss of function is a known mechanism of disease, is predicted to disrupt protein function, and has been observed more frequently in cases with the relevant disease than in healthy populations. Please note: this variant was assessed in the context of healthy population screening.

Baylor Genetics
Classification: Likely pathogenic for Autosomal recessive nonsyndromic hearing loss 23. Last evaluated: 2023-02-04. Review status: criteria provided, single submitter. Criteria: ACMG Guidelines, 2015. Collection method: clinical testing. Allele origin: unknown.

Broad Center for Mendelian Genomics, Broad Institute of MIT and Harvard
Classification: Likely pathogenic for Usher syndrome type 1F. Last evaluated: 2023-01-24. Review status: criteria provided, single submitter. Criteria: ACMG Guidelines, 2015. Collection method: curation. Allele origin: germline. Inheritance: Autosomal recessive inheritance.
Comment: The c.1784+1G>T variant in PCDH15 has been reported in 1 individual with Usher syndrome type 1F (PMID: 33946315) and has been identified in 0.005% (1/18340) of East Asian chromosomes by the Genome Aggregation Database (gnomAD; dbSNP ID: rs761865629). Although this variant has been seen in the general population in a heterozygous state, its frequency is low enough to be consistent with a recessive carrier frequency. This variant is located in the 3' splice region. Computational tools predict a splicing impact, though this information is not predictive enough to determine pathogenicity. Loss of function of the PCDH15 gene is an established disease mechanism in autosomal recessive Usher syndrome type 1F. In summary, although additional studies are required to fully establish its clinical significance, this variant is likely pathogenic for autosomal recessive Usher syndrome type 1F. ACMG/AMP Criteria applied: PVS1, PM2 (Richards 2015).

Department of Pathology and Laboratory Medicine, Sinai Health System
Classification: Likely pathogenic for Usher syndrome type 1D. Last evaluated: 2023-01-24. Review status: criteria provided, single submitter. Criteria: ACMG Guidelines, 2015. Collection method: research. Allele origin: germline.

Literature cited by the submitters: PubMed 16199547 (cited by Labcorp Genetics (formerly Invitae), Labcorp); PubMed 11398101 (cited by Labcorp Genetics (formerly Invitae), Labcorp); PubMed 11487575 (cited by Labcorp Genetics (formerly Invitae), Labcorp); PubMed 14570705 (cited by Labcorp Genetics (formerly Invitae), Labcorp); PubMed 33946315 (cited by Labcorp Genetics (formerly Invitae), Labcorp); PubMed 34721897 (cited by Myriad Genetics, Inc.).

NM_001384140.1(PCDH15):c.1784+1G>T

Gene: PCDH15 (protocadherin related 15; minus strand). Cytogenetic location: 10q21.1.
Variant type: single nucleotide variant.
Coding change: c.1784+1G>T on transcript NM_001384140.1 (MANE Select); the canonical splice donor site of the intron after coding-DNA position 1784, G replaced by T.
Molecular consequence: splice donor variant.
Genome position (GRCh38, 1-based): chr10:54,153,099, C>A on the plus strand (G>T on the coding strand, the complement: PCDH15 is on the minus strand). VCF-style: chr10-54153099-C-A. GRCh37 (hg19) VCF-style: chr10-55912859-C-A.
Other names: NM_001384140.1:c.1784+1G>T; c.1784+1G>T (NM_001354420.2, NM_001354429.2, NM_001142772.2 and 6 more transcripts); c.1799+1G>T (NM_001142771.2, NM_001142763.2); c.1805+1G>T (NM_001354411.2); c.1820+1G>T (NM_001142769.3); c.1718+1G>T (NM_001354404.2, NM_001142773.2, NM_001142768.2); c.1673+1G>T (NM_001142767.2).
Identifiers: ClinVar variation 2412661 (VCV002412661.6), dbSNP rs761865629, ClinGen allele CA5506275.
Genomic context (GRCh38, chr10:54,153,099, plus strand): 5'-ATTTAATTACAGGGTTAAACGGGCCCGATGAAAAGACTGCATTGGTTCTAATATAAATTA[C>A]CTTCGCTCTGCAGGAGGAGCATTATCCGCTGCTTGGACCGTGAGTGCGTAAGTCCGCCCG-3'